The following is an entry in ClinVar:

NM_007294.4(BRCA1):c.3939G>T (p.Gln1313His)

Genes: BRCA1 (BRCA1 DNA repair associated; minus strand), LOC126862571 (BRD4-independent group 4 enhancer GRCh37_chr17:41243136-41244335; plus strand). Cytogenetic location: 17q21.31.
Variant type: single nucleotide variant.
Coding change: c.3939G>T on transcript NM_007294.4 (MANE Select); coding-DNA position 3939, G replaced by T.
Protein change: p.Gln1313His; replaces glutamine 1313 with histidine.
Molecular consequence: missense variant. On other transcripts: intron variant (135).
Genome position (GRCh38, 1-based): chr17:43,091,592, C>A on the plus strand (G>T on the coding strand, the complement: BRCA1 is on the minus strand). VCF-style: chr17-43091592-C-A. GRCh37 (hg19) VCF-style: chr17-41243609-C-A.
Other names: c.785-560G>T (NM_001407972.1, NM_001408407.1, NM_001408402.1 and 13 more transcripts); c.665-560G>T (NM_001408441.1, NM_001408437.1, NM_001408429.1 and 12 more transcripts); c.3726G>T, p.Gln1242His (NM_001407571.1, NM_001407853.1, NM_001407894.1 and 9 more transcripts); c.3939G>T, p.Gln1313His (NM_001407581.1, NM_001407582.1, NM_001407583.1 and 30 more transcripts); c.3936G>T, p.Gln1312His (NM_001407587.1, NM_001407590.1, NM_001407591.1 and 22 more transcripts); c.3930G>T, p.Gln1310His (NM_001407646.1, NM_001407647.1); c.3816G>T, p.Gln1272His (NM_001407648.1, NM_001407664.1, NM_001407665.1 and 19 more transcripts); c.3813G>T, p.Gln1271His (NM_001407649.1, NM_001407670.1, NM_001407671.1 and 11 more transcripts); and 41 more; short protein forms Q1185H, Q1186H, Q1224H, Q1242H, Q1287H, Q1145H, Q1201H, Q1202H.
Identifiers: ClinVar variation 3825272 (VCV003825272.1).

ClinVar aggregate classification (germline): Uncertain significance (1 of 4 stars; one submission).

Conditions:
Hereditary cancer-predisposing syndrome. Also called: Hereditary neoplastic syndrome; Neoplastic Syndromes, Hereditary; Tumor predisposition; Hereditary Cancer Syndrome. Identifiers: Orphanet 140162, MedGen C0027672, MeSH D009386, MONDO:0015356.

Submission:

Ambry Genetics
Classification: Uncertain significance for Hereditary cancer-predisposing syndrome. Last evaluated: 2025-01-25. Review status: criteria provided, single submitter. Criteria: Ambry Variant Classification Scheme 2023. Collection method: clinical testing. Allele origin: germline.
Comment: The p.Q1313H variant (also known as c.3939G>T), located in coding exon 9 of the BRCA1 gene, results from a G to T substitution at nucleotide position 3939. The glutamine at codon 1313 is replaced by histidine, an amino acid with highly similar properties. This amino acid position is conserved. In addition, the in silico prediction for this alteration is inconclusive. Based on the available evidence, the clinical significance of this variant remains unclear.